The following is an entry in ClinVar:

ClinVar aggregate classification (germline): Uncertain significance. Review status: criteria provided, multiple submitters, no conflicts (2 of 4 stars). 2 submissions from 2 submitters: Uncertain significance (2). Last evaluated 2025-09-22.

Conditions:
Inborn genetic diseases. Identifiers: MedGen C0950123, MeSH D030342.

Allele frequency attached by ClinVar (database versions not stated): gnomAD 0.00002; gnomAD exomes 0.00006; TOPMed 0.00010; ExAC 0.00051.
gnomAD v4.1: 33 of 1,533,754 alleles (0.0022%); highest among the groups gnomAD compares: Admixed American, 0.059%; no homozygotes.

Submissions (2):

Ambry Genetics
Classification: Uncertain significance for Inborn genetic diseases. Last evaluated: 2025-09-22. Review status: criteria provided, single submitter. Criteria: Ambry Variant Classification Scheme 2023. Collection method: clinical testing. Allele origin: germline.

Labcorp Genetics (formerly Invitae), Labcorp
Classification: Uncertain significance. Last evaluated: 2022-08-21. Review status: criteria provided, single submitter. Criteria: Invitae Variant Classification Sherloc (09022015). Collection method: clinical testing. Allele origin: germline.
Comment: This sequence change replaces serine, which is neutral and polar, with phenylalanine, which is neutral and non-polar, at codon 1873 of the APC2 protein (p.Ser1873Phe). This variant is present in population databases (rs763831600, gnomAD 0.1%). This variant has not been reported in the literature in individuals affected with APC2-related conditions. Algorithms developed to predict the effect of missense changes on protein structure and function are either unavailable or do not agree on the potential impact of this missense change (SIFT: "Deleterious"; PolyPhen-2: "Probably Damaging"; Align-GVGD: "Class C0"). In summary, the available evidence is currently insufficient to determine the role of this variant in disease. Therefore, it has been classified as a Variant of Uncertain Significance.

NM_005883.3(APC2):c.5618C>T (p.Ser1873Phe)

Gene: APC2 (APC regulator of Wnt signaling pathway 2; plus strand). Cytogenetic location: 19p13.3.
Variant type: single nucleotide variant.
Coding change: c.5618C>T on transcript NM_005883.3 (MANE Select); coding-DNA position 5618, C replaced by T.
Protein change: p.Ser1873Phe; replaces serine 1873 with phenylalanine.
Molecular consequence: missense variant.
Genome position (GRCh38, 1-based): chr19:1,468,919, C>T. VCF-style: chr19-1468919-C-T. GRCh37 (hg19) VCF-style: chr19-1468918-C-T.
Other names: c.5615C>T, p.Ser1872Phe (NM_001351273.1); c.5618C>T (NM_005883.2); short protein forms S1873F, S1872F.
Identifiers: ClinVar variation 2014912 (VCV002014912.2), dbSNP rs763831600, ClinGen allele CA9046074.